The following is an entry in ClinVar:

NM_000814.6(GABRB3):c.1116G>T (p.Leu372=)

Gene: GABRB3 (gamma-aminobutyric acid type A receptor subunit beta3; minus strand). Cytogenetic location: 15q12.
Variant type: single nucleotide variant.
Coding change: c.1116G>T on transcript NM_000814.6 (MANE Select); coding-DNA position 1116, G replaced by T.
Protein change: p.Leu372=; no amino-acid change (leucine 372 retained).
Molecular consequence: synonymous variant.
Genome position (GRCh38, 1-based): chr15:26,548,099, C>A on the plus strand (G>T on the coding strand, the complement: GABRB3 is on the minus strand). VCF-style: chr15-26548099-C-A. GRCh37 (hg19) VCF-style: chr15-26793246-C-A.
Other names: c.861G>T, p.Leu287= (NM_001191320.2, NM_001278631.2); c.903G>T, p.Leu301= (NM_001191321.3); c.1116G>T, p.Leu372= (NM_021912.5).
Identifiers: ClinVar variation 2066431 (VCV002066431.27), dbSNP rs748883701, ClinGen allele CA7437296.

ClinVar aggregate classification (germline): Likely benign. Review status: criteria provided, multiple submitters, no conflicts (2 of 4 stars). 3 submissions from 3 submitters: Likely benign (3). Last evaluated 2025-04-07.

Conditions:
Epilepsy, childhood absence, susceptibility to, 1. Also called: Epilepsy, childhood absence 1. Identifiers: Orphanet 64280, MedGen C1838604, MONDO:0020759, OMIM 600131.
Epilepsy, childhood absence, susceptibility to, 5. Identifiers: Orphanet 64280, MedGen C2677087, MONDO:0012843, OMIM 612269.

Allele frequency attached by ClinVar (database versions not stated): gnomAD exomes below 0.00001; gnomAD 0.00001; TOPMed 0.00001; ExAC 0.00003.
gnomAD v4.1: 8 of 1,614,012 alleles (0.0005%); highest among the groups gnomAD compares: Non-Finnish European, 0.00068%; no homozygotes.

Submissions (3):

Labcorp Genetics (formerly Invitae), Labcorp
Classification: Likely benign for Epilepsy, childhood absence, susceptibility to, 5; Epilepsy, childhood absence, susceptibility to, 1. Last evaluated: 2025-04-07. Review status: criteria provided, single submitter. Criteria: Invitae Variant Classification Sherloc (09022015). Collection method: clinical testing. Allele origin: germline.

CeGaT Center for Human Genetics Tuebingen
Classification: Likely benign. Last evaluated: 2023-12-01. Review status: criteria provided, single submitter. Criteria: CeGaT Center For Human Genetics Tuebingen Variant Classification Criteria Version 2. Collection method: clinical testing. Allele origin: germline. Affected: yes. Observed: 1 variant allele.
Comment: GABRB3: BP4, BP7

Blueprint Genetics
Classification: Likely benign. Last evaluated: 2023-05-15. Review status: criteria provided, single submitter. Criteria: ACMG Guidelines, 2015. Collection method: clinical testing. Allele origin: germline.